The following is an entry in ClinVar:

ClinVar aggregate classification (germline): Uncertain significance (1 of 4 stars; one submission).

Submission:

Labcorp Genetics (formerly Invitae), Labcorp
Classification: Uncertain significance. Last evaluated: 2024-11-18. Review status: criteria provided, single submitter. Criteria: Invitae Variant Classification Sherloc (09022015). Collection method: clinical testing. Allele origin: germline.
Comment: This sequence change replaces aspartic acid, which is acidic and polar, with glycine, which is neutral and non-polar, at codon 4093 of the HMCN1 protein (p.Asp4093Gly). This variant is not present in population databases (gnomAD no frequency). This variant has not been reported in the literature in individuals affected with HMCN1-related conditions. An algorithm developed to predict the effect of missense changes on protein structure and function (PolyPhen-2) suggests that this variant is likely to be disruptive. In summary, the available evidence is currently insufficient to determine the role of this variant in disease. Therefore, it has been classified as a Variant of Uncertain Significance.

NM_031935.3(HMCN1):c.12278A>G (p.Asp4093Gly)

Gene: HMCN1 (hemicentin 1; plus strand). Cytogenetic location: 1q31.1.
Variant type: single nucleotide variant.
Coding change: c.12278A>G on transcript NM_031935.3 (MANE Select); coding-DNA position 12278, A replaced by G.
Protein change: p.Asp4093Gly; replaces aspartic acid 4093 with glycine.
Molecular consequence: missense variant.
Genome position (GRCh38, 1-based): chr1:186,122,999, A>G. VCF-style: chr1-186122999-A-G. GRCh37 (hg19) VCF-style: chr1-186092131-A-G.
Other names: short protein forms D4093G.
Identifiers: ClinVar variation 3623059 (VCV003623059.2).
Genomic context (GRCh38, chr1:186,122,999, plus strand): 5'-TGTATATTTTAGTTCCTCCAGTCATTAGCCCTCATCTAAAGGAATATGTTATTGCTGTGG[A>G]CAAGCCCATCACGTTATCCTGTGAAGCAGATGGCCTCCCTCCGCCTGACATTACATGGCA-3'
Protein context (NP_114141.2, residues 4083-4103): PHLKEYVIAV[Asp4093Gly]KPITLSCEAD